The following is an entry in ClinVar:

ClinVar aggregate classification (germline): Uncertain significance (1 of 4 stars; one submission).

Conditions:
Gastrointestinal stromal tumor. Also called: Gastrointestinal stromal tumor, somatic; Gastrointestinal stroma tumor. Identifiers: Orphanet 44890, MedGen C0238198, MeSH D046152, MONDO:0011719, OMIM 606764, HP:0100723.

Submission:

Labcorp Genetics (formerly Invitae), Labcorp
Classification: Uncertain significance for Gastrointestinal stromal tumor. Last evaluated: 2023-06-02. Review status: criteria provided, single submitter. Criteria: Invitae Variant Classification Sherloc (09022015). Collection method: clinical testing. Allele origin: germline.
Comment: This variant is not present in population databases (gnomAD no frequency). In summary, the available evidence is currently insufficient to determine the role of this variant in disease. Therefore, it has been classified as a Variant of Uncertain Significance. Algorithms developed to predict the effect of missense changes on protein structure and function output the following: SIFT: "Not Available"; PolyPhen-2: "Benign"; Align-GVGD: "Not Available". The alanine amino acid residue is found in multiple mammalian species, which suggests that this missense change does not adversely affect protein function. This variant has not been reported in the literature in individuals affected with KIT-related conditions. This sequence change replaces serine, which is neutral and polar, with alanine, which is neutral and non-polar, at codon 187 of the KIT protein (p.Ser187Ala).

NM_000222.3(KIT):c.559T>G (p.Ser187Ala)

Gene: KIT (KIT proto-oncogene, receptor tyrosine kinase; plus strand). Cytogenetic location: 4q12.
Variant type: single nucleotide variant.
Coding change: c.559T>G on transcript NM_000222.3 (MANE Select); coding-DNA position 559, T replaced by G.
Protein change: p.Ser187Ala; replaces serine 187 with alanine.
Molecular consequence: missense variant.
Genome position (GRCh38, 1-based): chr4:54,698,505, T>G. VCF-style: chr4-54698505-T-G. GRCh37 (hg19) VCF-style: chr4-55564671-T-G.
Other names: c.559T>G, p.Ser187Ala (NM_001093772.2, NM_001385284.1, NM_001385285.1 and 4 more transcripts); short protein forms S187A.
Identifiers: ClinVar variation 2756623 (VCV002756623.3), dbSNP rs2475452392, ClinGen allele CA356897922.